The following is an entry in ClinVar:

ClinVar aggregate classification (germline): Uncertain significance (1 of 4 stars; one submission).

Submission:

Labcorp Genetics (formerly Invitae), Labcorp
Classification: Uncertain significance. Last evaluated: 2024-06-13. Review status: criteria provided, single submitter. Criteria: Invitae Variant Classification Sherloc (09022015). Collection method: clinical testing. Allele origin: germline.
Comment: This sequence change replaces asparagine, which is neutral and polar, with serine, which is neutral and polar, at codon 16 of the UROD protein (p.Asn16Ser). This variant is not present in population databases (gnomAD no frequency). This variant has not been reported in the literature in individuals affected with UROD-related conditions. Advanced modeling of protein sequence and biophysical properties (such as structural, functional, and spatial information, amino acid conservation, physicochemical variation, residue mobility, and thermodynamic stability) performed at Invitae indicates that this missense variant is expected to disrupt UROD protein function with a positive predictive value of 80%. In summary, the available evidence is currently insufficient to determine the role of this variant in disease. Therefore, it has been classified as a Variant of Uncertain Significance.

NM_000374.5(UROD):c.47A>G (p.Asn16Ser)

Gene: UROD (uroporphyrinogen decarboxylase; plus strand). Cytogenetic location: 1p34.1.
Variant type: single nucleotide variant.
Coding change: c.47A>G on transcript NM_000374.5 (MANE Select); coding-DNA position 47, A replaced by G.
Protein change: p.Asn16Ser; replaces asparagine 16 with serine.
Molecular consequence: missense variant. On other transcripts: non-coding transcript variant (3).
Genome position (GRCh38, 1-based): chr1:45,012,933, A>G. VCF-style: chr1-45012933-A-G. GRCh37 (hg19) VCF-style: chr1-45478605-A-G.
Other names: short protein forms N16S.
Identifiers: ClinVar variation 3620614 (VCV003620614.2).